The following is an entry in ClinVar:

ClinVar aggregate classification (germline): Uncertain significance (1 of 4 stars; one submission).

Submission:

Labcorp Genetics (formerly Invitae), Labcorp
Classification: Uncertain significance. Last evaluated: 2022-09-27. Review status: criteria provided, single submitter. Criteria: Invitae Variant Classification Sherloc (09022015). Collection method: clinical testing. Allele origin: germline.
Comment: In summary, the available evidence is currently insufficient to determine the role of this variant in disease. Therefore, it has been classified as a Variant of Uncertain Significance. Algorithms developed to predict the effect of missense changes on protein structure and function output the following: SIFT: "Tolerated"; PolyPhen-2: "Benign"; Align-GVGD: "Class C0". The valine amino acid residue is found in multiple mammalian species, which suggests that this missense change does not adversely affect protein function. ClinVar contains an entry for this variant (Variation ID: 960773). This variant has not been reported in the literature in individuals affected with KIAA1549-related conditions. This variant is not present in population databases (gnomAD no frequency). This sequence change replaces isoleucine, which is neutral and non-polar, with valine, which is neutral and non-polar, at codon 1280 of the KIAA1549 protein (p.Ile1280Val).

NM_001164665.2(KIAA1549):c.3838A>G (p.Ile1280Val)

Gene: KIAA1549 (KIAA1549; minus strand). Cytogenetic location: 7q34.
Variant type: single nucleotide variant.
Coding change: c.3838A>G on transcript NM_001164665.2 (MANE Select); coding-DNA position 3838, A replaced by G.
Protein change: p.Ile1280Val; replaces isoleucine 1280 with valine.
Molecular consequence: missense variant.
Genome position (GRCh38, 1-based): chr7:138,898,964, T>C on the plus strand (A>G on the coding strand, the complement: KIAA1549 is on the minus strand). VCF-style: chr7-138898964-T-C. GRCh37 (hg19) VCF-style: chr7-138583710-T-C.
Other names: c.3838A>G, p.Ile1280Val (NM_020910.3); short protein forms I1280V.
Identifiers: ClinVar variation 960773 (VCV000960773.10), dbSNP rs1811765687, ClinGen allele CA369381195.
Genomic context (GRCh38, chr7:138,898,964, plus strand): 5'-CTTTGGTGCCCAGCACAGCACAGCACAGACGACAACACCTCAGGCACTTACGCTGGGCAA[T>C]GACACCTTGAATTCGGTAACCCAAGATGATGGCTGCTCTCTGGAGGTCCATTTTGTTAAT-3'
Protein context (NP_001158137.1, residues 1270-1290): IILGYRIQGV[Ile1280Val]AQPVDRVKRP